The following is an entry in ClinVar:

NM_024422.6(DSC2):c.2112_2116del (p.Phe708fs)

Gene: DSC2 (desmocollin 2; minus strand). Cytogenetic location: 18q12.1.
Variant type: Deletion.
Coding change: c.2112_2116del on transcript NM_024422.6 (MANE Select); coding-DNA positions 2112 to 2116, 5 bases deleted (AGCAT; older notation c.2112_2116delAGCAT).
Protein change: p.Phe708fs; shifts the reading frame from phenylalanine 708.
Molecular consequence: frameshift variant.
Genome position (GRCh38, 1-based): chr18:31,071,614-31,071,618, ATGCT deleted on the plus strand (AGCAT on the coding strand, the reverse complement: DSC2 is on the minus strand); deleting any 5 consecutive bases within chr18:31,071,614-31,071,622 gives the same sequence; the c. name uses the placement nearest the transcript's 3' end. VCF-style (leftmost placement, unchanged base first): chr18-31071613-AATGCT-A. GRCh37 (hg19) VCF-style: chr18-28651579-AATGCT-A.
Other names: c.2112_2116del, p.Phe708fs (NM_004949.5); c.2112_2116del (NM_024422.3); short protein forms F708fs.
Identifiers: ClinVar variation 523695 (VCV000523695.9), dbSNP rs1555637555, ClinGen allele CA658799031.

ClinVar aggregate classification (germline): Pathogenic/Likely pathogenic. Review status: criteria provided, multiple submitters, no conflicts (2 of 4 stars). 4 submissions from 4 submitters: Pathogenic (1); Likely pathogenic (3). Last evaluated 2026-05-22.

Conditions:
Arrhythmogenic right ventricular dysplasia 11. Also called: Arrhythmogenic right ventricular dysplasia 11 with mild palmoplantar keratoderma and woolly hair; Arrhythmogenic Right Ventricular Dysplasia/Cardiomyopathy11; ARRHYTHMOGENIC RIGHT VENTRICULAR DYSPLASIA, FAMILIAL, 11. Identifiers: MedGen C1864850, MONDO:0012506, OMIM 610476.

Submissions (4):

GeneDx
Classification: Likely pathogenic. Last evaluated: 2026-05-22. Review status: criteria provided, single submitter. Criteria: GeneDx Variant Classification Process June 2021. Collection method: clinical testing. Allele origin: germline.
Comment: Frameshift variant predicted to result in protein truncation or nonsense mediated decay in a gene for which loss of function is a known mechanism of disease; Not observed at significant frequency in large population cohorts (gnomAD); Reported as an incidental finding in a patient in published literature (PMID: 33258288); This variant is associated with the following publications: (PMID: 33258288, 41262507)

OLLIN Analises Genomicas, OLLIN
Classification: Likely pathogenic for Arrhythmogenic right ventricular dysplasia 11. Last evaluated: 2026-02-13. Review status: criteria provided, single submitter. Criteria: ACMG Guidelines 2015 PMID 25741868. Collection method: clinical testing. Allele origin: germline. Observed: 1 variant allele.
Comment: PVS1, PM2_P

Labcorp Genetics (formerly Invitae), Labcorp
Classification: Pathogenic for Arrhythmogenic right ventricular dysplasia 11. Last evaluated: 2025-12-23. Review status: criteria provided, single submitter. Criteria: Invitae Variant Classification Sherloc (09022015). Collection method: clinical testing. Allele origin: germline.
Comment: This sequence change creates a premature translational stop signal (p.Phe708Hisfs*14) in the DSC2 gene. It is expected to result in an absent or disrupted protein product. Loss-of-function variants in DSC2 are known to be pathogenic (PMID: 23911551). This variant is not present in population databases (gnomAD no frequency). This premature translational stop signal has been observed in individual(s) with arrhythmogenic cardiomyopathy (PMID: 33258288). ClinVar contains an entry for this variant (Variation ID: 523695). For these reasons, this variant has been classified as Pathogenic.

Molecular Diagnostic Laboratory for Inherited Cardiovascular Disease, Montreal Heart Institute
Classification: Likely pathogenic. Last evaluated: 2017-04-10. Review status: criteria provided, single submitter. Criteria: ACMG Guidelines, 2015. Collection method: clinical testing. Allele origin: germline. Affected: yes.

Literature cited by the submitters: PubMed 23911551 (cited by Labcorp Genetics (formerly Invitae), Labcorp); PubMed 33258288 (cited by Labcorp Genetics (formerly Invitae), Labcorp).